The following is an entry in ClinVar:

ClinVar aggregate classification (germline): Uncertain significance (1 of 4 stars; one submission).

Conditions:
Fanconi anemia (FA). Also called: Fanconi's anemia. Identifiers: Orphanet 84, MedGen C0015625, MeSH D005199, MONDO:0019391.

gnomAD v4.1: 4 of 1,614,110 alleles (0.00025%); highest among the groups gnomAD compares: South Asian, 0.0033%; no homozygotes.

Submission:

Labcorp Genetics (formerly Invitae), Labcorp
Classification: Uncertain significance for Fanconi anemia. Last evaluated: 2024-06-22. Review status: criteria provided, single submitter. Criteria: Invitae Variant Classification Sherloc (09022015). Collection method: clinical testing. Allele origin: germline.
Comment: This sequence change replaces serine, which is neutral and polar, with arginine, which is basic and polar, at codon 184 of the SLX4 protein (p.Ser184Arg). This variant is present in population databases (rs753005616, gnomAD 0.006%). This variant has not been reported in the literature in individuals affected with SLX4-related conditions. An algorithm developed to predict the effect of missense changes on protein structure and function (PolyPhen-2) suggests that this variant is likely to be tolerated. In summary, the available evidence is currently insufficient to determine the role of this variant in disease. Therefore, it has been classified as a Variant of Uncertain Significance.

NM_032444.4(SLX4):c.552C>G (p.Ser184Arg)

Gene: SLX4 (SLX4 structure-specific endonuclease subunit; minus strand). Cytogenetic location: 16p13.3.
Variant type: single nucleotide variant.
Coding change: c.552C>G on transcript NM_032444.4 (MANE Select); coding-DNA position 552, C replaced by G.
Protein change: p.Ser184Arg; replaces serine 184 with arginine.
Molecular consequence: missense variant.
Genome position (GRCh38, 1-based): chr16:3,606,682, G>C on the plus strand (C>G on the coding strand, the complement: SLX4 is on the minus strand). VCF-style: chr16-3606682-G-C. GRCh37 (hg19) VCF-style: chr16-3656683-G-C.
Other names: short protein forms S184R.
Identifiers: ClinVar variation 3662139 (VCV003662139.2).